The following is an entry in ClinVar:

NM_001605.3(AARS1):c.2402C>T (p.Ala801Val)

Gene: AARS1 (alanyl-tRNA synthetase 1; minus strand). Cytogenetic location: 16q22.1.
Variant type: single nucleotide variant.
Coding change: c.2402C>T on transcript NM_001605.3 (MANE Select); coding-DNA position 2402, C replaced by T.
Protein change: p.Ala801Val; replaces alanine 801 with valine.
Molecular consequence: missense variant.
Genome position (GRCh38, 1-based): chr16:70,254,037, G>A on the plus strand (C>T on the coding strand, the complement: AARS1 is on the minus strand). VCF-style: chr16-70254037-G-A. GRCh37 (hg19) VCF-style: chr16-70287940-G-A.
Other names: short protein forms A801V.
Identifiers: ClinVar variation 2898361 (VCV002898361.4), dbSNP rs372552067, ClinGen allele CA283424190.

ClinVar aggregate classification (germline): Uncertain significance. Review status: criteria provided, multiple submitters, no conflicts (2 of 4 stars). 2 submissions from 2 submitters: Uncertain significance (2). Last evaluated 2025-11-03.

Conditions:
Charcot-Marie-Tooth disease type 2. Also called: Charcot-Marie-Tooth type 2. Identifiers: Orphanet 64746, MedGen C0270914, MONDO:0018993.
Inborn genetic diseases. Identifiers: MedGen C0950123, MeSH D030342.

Allele frequency attached by ClinVar (database versions not stated): TOPMed 0.00002; gnomAD 0.00001; ESP Exome Variant Server 0.00008.
gnomAD v4.1: 2 of 1,613,890 alleles (0.00012%); highest among the groups gnomAD compares: African/African-American, 0.0027%; no homozygotes.

Submissions (2):

Ambry Genetics
Classification: Uncertain significance for Inborn genetic diseases. Last evaluated: 2025-11-03. Review status: criteria provided, single submitter. Criteria: Ambry Variant Classification Scheme 2023. Collection method: clinical testing. Allele origin: germline.

Labcorp Genetics (formerly Invitae), Labcorp
Classification: Uncertain significance for Charcot-Marie-Tooth disease type 2. Last evaluated: 2023-04-25. Review status: criteria provided, single submitter. Criteria: Invitae Variant Classification Sherloc (09022015). Collection method: clinical testing. Allele origin: germline.
Comment: In summary, the available evidence is currently insufficient to determine the role of this variant in disease. Therefore, it has been classified as a Variant of Uncertain Significance. Algorithms developed to predict the effect of sequence changes on RNA splicing suggest that this variant may disrupt the consensus splice site. Algorithms developed to predict the effect of missense changes on protein structure and function output the following: SIFT: "Not Available"; PolyPhen-2: "Benign"; Align-GVGD: "Not Available". The valine amino acid residue is found in multiple mammalian species, which suggests that this missense change does not adversely affect protein function. This variant has not been reported in the literature in individuals affected with AARS-related conditions. This variant is not present in population databases (gnomAD no frequency). This sequence change replaces alanine, which is neutral and non-polar, with valine, which is neutral and non-polar, at codon 801 of the AARS protein (p.Ala801Val).